The following is an entry in ClinVar:

NM_177438.3(DICER1):c.5A>G (p.Lys2Arg)

Gene: DICER1 (dicer 1, ribonuclease III; minus strand). Cytogenetic location: 14q32.13.
Variant type: single nucleotide variant.
Coding change: c.5A>G on transcript NM_177438.3 (MANE Select); coding-DNA position 5, A replaced by G.
Protein change: p.Lys2Arg; replaces lysine 2 with arginine.
Molecular consequence: missense variant. On other transcripts: 5 prime UTR variant (8), non-coding transcript variant (6), intron variant (1).
Genome position (GRCh38, 1-based): chr14:95,133,454, T>C on the plus strand (A>G on the coding strand, the complement: DICER1 is on the minus strand). VCF-style: chr14-95133454-T-C. GRCh37 (hg19) VCF-style: chr14-95599791-T-C.
Other names: c.5A>G, p.Lys2Arg (NM_001195573.1, NM_001271282.3, NM_001291628.2 and 15 more transcripts); c.-270A>G (NM_001395686.1, NM_001395688.1, NM_001395689.1 and 3 more transcripts); c.-454A>G (NM_001395691.1); c.-1564A>G (NM_001395697.1); c.-130-777A>G (NM_001395687.1); short protein forms K2R.
Identifiers: ClinVar variation 2451712 (VCV002451712.5), dbSNP rs2543389834, ClinGen allele CA390890856.
Genomic context (GRCh38, chr14:95,133,454, plus strand): 5'-GAGGAAGCAGGGGTCATGAGCTGCAGGCCTGCCATGCTGAGGGGTTGCAAAGCAGGGCTT[T>C]TCATTCATCCAGTGTTTCTTTCATTGCATTTTTGTTCTAGCACAGCTTACTACAAAAGGG-3'
Protein context (NP_803187.1, residues 1-12): M[Lys2Arg]SPALQPLSMA

ClinVar aggregate classification (germline): Uncertain significance. Review status: criteria provided, multiple submitters, no conflicts (2 of 4 stars). 2 submissions from 2 submitters: Uncertain significance (2). Last evaluated 2023-01-31.

Conditions:
Hereditary cancer-predisposing syndrome. Also called: Hereditary neoplastic syndrome; Tumor predisposition; Neoplastic Syndromes, Hereditary; Hereditary Cancer Syndrome. Identifiers: Orphanet 140162, MedGen C0027672, MeSH D009386, MONDO:0015356.
DICER1-related tumor predisposition. Also called: DICER1 syndrome; DICER1-related pleuropulmonary blastoma cancer predisposition syndrome. Identifiers: Orphanet 284343, MedGen C3839822, MONDO:0100216.

Submissions (2):

Ambry Genetics
Classification: Uncertain significance for Hereditary cancer-predisposing syndrome. Last evaluated: 2023-01-31. Review status: criteria provided, single submitter. Criteria: Ambry Variant Classification Scheme 2023. Collection method: clinical testing. Allele origin: germline.
Comment: The p.K2R variant (also known as c.5A>G), located in coding exon 1 of the DICER1 gene, results from an A to G substitution at nucleotide position 5. The lysine at codon 2 is replaced by arginine, an amino acid with highly similar properties. This amino acid position is well conserved in available vertebrate species. In addition, this alteration is predicted to be tolerated by in silico analysis. Since supporting evidence is limited at this time, the clinical significance of this alteration remains unclear.

Labcorp Genetics (formerly Invitae), Labcorp
Classification: Uncertain significance for DICER1-related tumor predisposition. Last evaluated: 2022-11-26. Review status: criteria provided, single submitter. Criteria: Invitae Variant Classification Sherloc (09022015). Collection method: clinical testing. Allele origin: germline.
Comment: This sequence change replaces lysine, which is basic and polar, with arginine, which is basic and polar, at codon 2 of the DICER1 protein (p.Lys2Arg). This variant is not present in population databases (gnomAD no frequency). This variant has not been reported in the literature in individuals affected with DICER1-related conditions. Algorithms developed to predict the effect of missense changes on protein structure and function output the following: SIFT: "Tolerated"; PolyPhen-2: "Benign"; Align-GVGD: "Class C0". The arginine amino acid residue is found in multiple mammalian species, which suggests that this missense change does not adversely affect protein function. In summary, the available evidence is currently insufficient to determine the role of this variant in disease. Therefore, it has been classified as a Variant of Uncertain Significance.